The following is an entry in ClinVar:

NM_007348.4(ATF6):c.1333G>A (p.Val445Ile)

Gene: ATF6 (activating transcription factor 6; plus strand). Cytogenetic location: 1q23.3.
Variant type: single nucleotide variant.
Coding change: c.1333G>A on transcript NM_007348.4 (MANE Select); coding-DNA position 1333, G replaced by A.
Protein change: p.Val445Ile; replaces valine 445 with isoleucine.
Molecular consequence: missense variant.
Genome position (GRCh38, 1-based): chr1:161,851,735, G>A. VCF-style: chr1-161851735-G-A. GRCh37 (hg19) VCF-style: chr1-161821525-G-A.
Other names: short protein forms V445I.
Identifiers: ClinVar variation 942989 (VCV000942989.7), dbSNP rs377157608, ClinGen allele CA1214440.

ClinVar aggregate classification (germline): Uncertain significance. Review status: criteria provided, multiple submitters, no conflicts (2 of 4 stars). 2 submissions from 2 submitters: Uncertain significance (2). Last evaluated 2025-03-26.

Conditions:
Inborn genetic diseases. Identifiers: MedGen C0950123, MeSH D030342.

Allele frequency attached by ClinVar (database versions not stated): gnomAD 0.00001; gnomAD exomes 0.00001 and 0.00002; ExAC 0.00002; TOPMed 0.00002; ESP Exome Variant Server 0.00015.
gnomAD v4.1: 15 of 1,612,974 alleles (0.00093%); highest among the groups gnomAD compares: Non-Finnish European, 0.0013%; no homozygotes.

Submissions (2):

Ambry Genetics
Classification: Uncertain significance for Inborn genetic diseases. Last evaluated: 2025-03-26. Review status: criteria provided, single submitter. Criteria: Ambry Variant Classification Scheme 2023. Collection method: clinical testing. Allele origin: germline.

Labcorp Genetics (formerly Invitae), Labcorp
Classification: Uncertain significance. Last evaluated: 2021-11-12. Review status: criteria provided, single submitter. Criteria: Invitae Variant Classification Sherloc (09022015). Collection method: clinical testing. Allele origin: germline.
Comment: In summary, the available evidence is currently insufficient to determine the role of this variant in disease. Therefore, it has been classified as a Variant of Uncertain Significance. Algorithms developed to predict the effect of missense changes on protein structure and function (SIFT, PolyPhen-2, Align-GVGD) all suggest that this variant is likely to be tolerated. ClinVar contains an entry for this variant (Variation ID: 942989). This variant has not been reported in the literature in individuals affected with ATF6-related conditions. This variant is present in population databases (rs377157608, gnomAD 0.004%). This sequence change replaces valine, which is neutral and non-polar, with isoleucine, which is neutral and non-polar, at codon 445 of the ATF6 protein (p.Val445Ile).